The following is an entry in ClinVar:

ClinVar aggregate classification (germline): Uncertain significance. Review status: criteria provided, multiple submitters, no conflicts (2 of 4 stars). 3 submissions from 3 submitters: Uncertain significance (3). Last evaluated 2019-10-29.

Conditions:
Familial adenomatous polyposis 1 (FAP1). Also called: POLYPOSIS, ADENOMATOUS INTESTINAL; FAMILIAL ADENOMATOUS POLYPOSIS 1, ATTENUATED. Identifiers: MedGen C2713442, MONDO:0021056, OMIM 175100. Disease mechanism: loss of function.
Hereditary cancer-predisposing syndrome. Also called: Hereditary neoplastic syndrome; Neoplastic Syndromes, Hereditary; Tumor predisposition; Hereditary Cancer Syndrome. Identifiers: Orphanet 140162, MedGen C0027672, MeSH D009386, MONDO:0015356.

Submissions (3):

Division of Medical Genetics, University of Washington
Classification: Uncertain significance for Familial adenomatous polyposis 1. Last evaluated: 2019-10-29. Review status: criteria provided, single submitter. Criteria: ACMG Guidelines, 2015. Collection method: clinical testing. Allele origin: germline. Affected: no. Study: CSER_CHARM.
Comment: To our knowledge, this sequence variant has not been previously reported in the literature. This variant has an overall allele frequency of 0.0001, and an allele frequency of 0.00004 in African ancestry populations, in the Broad Institute gnomAD Browser. This allele frequency is likely too high for this variant to be associated with the classic form of FAP. In silico analyses indicate that this variant does not alter protein structure/function. Thus, it is unknown at this time whether this variant increases cancer risk. BP4; BS1

Ambry Genetics
Classification: Uncertain significance for Hereditary cancer-predisposing syndrome. Last evaluated: 2017-01-20. Review status: criteria provided, single submitter. Criteria: Ambry Variant Classification Scheme 2023. Collection method: clinical testing. Allele origin: germline.
Comment: The p.G323A variant (also known as c.968G>C), located in coding exon 9 of the APC gene, results from a G to C substitution at nucleotide position 968. The glycine at codon 323 is replaced by alanine, an amino acid with similar properties. This amino acid position is highly conserved in available vertebrate species. In addition, in silico predictors for this gene do not accurately predict pathogenicity. Since supporting evidence is limited at this time, the clinical significance of this alteration remains unclear.

Labcorp Genetics (formerly Invitae), Labcorp
Classification: Uncertain significance for Familial adenomatous polyposis 1. Last evaluated: 2017-01-13. Review status: criteria provided, single submitter. Criteria: Invitae Variant Classification Sherloc (09022015). Collection method: clinical testing. Allele origin: germline.
Comment: This sequence change replaces glycine with alanine at codon 323 of the APC protein (p.Gly323Ala). The glycine residue is highly conserved and there is a small physicochemical difference between glycine and alanine. This variant is not present in population databases (ExAC no frequency) and has not been reported in the literature in individuals with an APC-related disease. Algorithms developed to predict the effect of missense changes on protein structure and function do not agree on the potential impact of this missense change (SIFT: "Deleterious"; PolyPhen-2: "Benign"; Align-GVGD: "Class C0"). In summary, this variant is a novel missense change with uncertain impact on protein function. It has been classified as a Variant of Uncertain Significance.

NM_000038.6(APC):c.968G>C (p.Gly323Ala)

Gene: APC (APC regulator of Wnt signaling pathway; plus strand). Cytogenetic location: 5q22.2.
Variant type: single nucleotide variant.
Coding change: c.968G>C on transcript NM_000038.6 (MANE Select); coding-DNA position 968, G replaced by C.
Protein change: p.Gly323Ala; replaces glycine 323 with alanine.
Molecular consequence: missense variant. On other transcripts: intron variant (4).
Genome position (GRCh38, 1-based): chr5:112,819,000, G>C. VCF-style: chr5-112819000-G-C. GRCh37 (hg19) VCF-style: chr5-112154697-G-C.
Other names: c.968G>C, p.Gly323Ala (NM_001127510.3, NM_001354895.2, NM_001354896.2); c.914G>C, p.Gly305Ala (NM_001127511.3); c.998G>C, p.Gly333Ala (NM_001354897.2); c.893G>C, p.Gly298Ala (NM_001354898.2); c.884G>C, p.Gly295Ala (NM_001354899.2); c.791G>C, p.Gly264Ala (NM_001354900.2, NM_001354901.2); c.119G>C, p.Gly40Ala (NM_001354906.2); c.964-269G>C (NM_001354902.2); and 3 more; short protein forms G305A, G323A, G333A, G295A, G298A, G264A, G40A.
Identifiers: ClinVar variation 470159 (VCV000470159.14), dbSNP rs1554079954, ClinGen allele CA16023429.